The following is an entry in ClinVar:

ClinVar aggregate classification (germline): Likely benign. Review status: criteria provided, multiple submitters, no conflicts (2 of 4 stars). 4 submissions from 4 submitters: Likely benign (4). Last evaluated 2025-03-04.

Conditions:
Hereditary cancer-predisposing syndrome. Also called: Neoplastic Syndromes, Hereditary; Hereditary Cancer Syndrome; Hereditary neoplastic syndrome; Tumor predisposition. Identifiers: Orphanet 140162, MedGen C0027672, MeSH D009386, MONDO:0015356.
Familial adenomatous polyposis 2. Also called: ADENOMAS, MULTIPLE COLORECTAL, AUTOSOMAL RECESSIVE; MYH-associated polyposis; Adenomas, multiple colorectal; MUTYH Polyposis; COLORECTAL ADENOMATOUS POLYPOSIS, AUTOSOMAL RECESSIVE; FAP type 2. Identifiers: Orphanet 220460, Orphanet 247798, MedGen C3272841, MONDO:0012041, OMIM 608456.

Allele frequency attached by ClinVar (database versions not stated): gnomAD 0.00001; gnomAD exomes 0.00001; TOPMed 0.00001.
gnomAD v4.1: 12 of 1,614,110 alleles (0.00074%); highest among the groups gnomAD compares: Non-Finnish European, 0.001%; no homozygotes.

Submissions (4):

Center for Genomic Medicine, Rigshospitalet, Copenhagen University Hospital
Classification: Likely benign. Last evaluated: 2025-03-04. Review status: criteria provided, single submitter. Criteria: ACMG Guidelines, 2015. Collection method: clinical testing. Allele origin: germline.

Labcorp Genetics (formerly Invitae), Labcorp
Classification: Likely benign for Familial adenomatous polyposis 2. Last evaluated: 2024-07-08. Review status: criteria provided, single submitter. Criteria: Invitae Variant Classification Sherloc (09022015). Collection method: clinical testing. Allele origin: germline.

Color Diagnostics, LLC DBA Color Health
Classification: Likely benign for Hereditary cancer-predisposing syndrome. Last evaluated: 2018-09-25. Review status: criteria provided, single submitter. Criteria: ACMG Guidelines, 2015. Collection method: clinical testing. Allele origin: germline.

GeneDx
Classification: Likely benign. Last evaluated: 2016-01-07. Review status: criteria provided, single submitter. Criteria: GeneDx Variant Classification (06012015). Collection method: clinical testing. Allele origin: germline. Affected: yes.
Comment: This variant is considered likely benign or benign based on one or more of the following criteria: it is a conservative change, it occurs at a poorly conserved position in the protein, it is predicted to be benign by multiple in silico algorithms, and/or has population frequency not consistent with disease.

NM_001048174.2(MUTYH):c.1239+16A>G

Gene: MUTYH (mutY DNA glycosylase; minus strand). Cytogenetic location: 1p34.1.
Variant type: single nucleotide variant.
Coding change: c.1239+16A>G on transcript NM_001048174.2 (MANE Select); 16 bases into the intron after coding-DNA position 1239, A replaced by G.
Molecular consequence: intron variant.
Genome position (GRCh38, 1-based): chr1:45,331,404, T>C on the plus strand (A>G on the coding strand, the complement: MUTYH is on the minus strand). VCF-style: chr1-45331404-T-C. GRCh37 (hg19) VCF-style: chr1-45797076-T-C.
Other names: c.894+16A>G (NM_001350651.2, NM_001350650.2); c.963+16A>G (NM_001293192.2, NM_001293196.2); c.1239+16A>G (NM_001048171.2, NM_001048173.2, NM_001293195.2); c.1284+16A>G (NM_001293190.2); c.1314+16A>G (NM_012222.3); c.1323+16A>G (NM_001128425.2); c.1242+16A>G (NM_001048172.2); c.1272+16A>G (NM_001293191.2).
Identifiers: ClinVar variation 383006 (VCV000383006.13), dbSNP rs1057521503, ClinGen allele CA16603648.